The following is an entry in ClinVar:

NM_015559.3(SETBP1):c.2699A>G (p.Asp900Gly)

Gene: SETBP1 (SET binding protein 1; plus strand). Cytogenetic location: 18q12.3.
Variant type: single nucleotide variant.
Coding change: c.2699A>G on transcript NM_015559.3 (MANE Select); coding-DNA position 2699, A replaced by G.
Protein change: p.Asp900Gly; replaces aspartic acid 900 with glycine.
Molecular consequence: missense variant.
Genome position (GRCh38, 1-based): chr18:44,952,039, A>G. VCF-style: chr18-44952039-A-G. GRCh37 (hg19) VCF-style: chr18-42532004-A-G.
Other names: c.2699A>G, p.Asp900Gly (NM_001379141.1, NM_001379142.1); short protein forms D900G.
Identifiers: ClinVar variation 984821 (VCV000984821.4), dbSNP rs2071366432, ClinGen allele CA402322023.

ClinVar aggregate classification (germline): Uncertain significance (1 of 4 stars; one submission).

Conditions:
Intellectual developmental disorder, autosomal dominant 29. Also called: SETBP1 Haploinsufficiency Disorder; Intellectual disability, autosomal dominant 29. Identifiers: Orphanet 436151, MedGen C4015141, MONDO:0014482, OMIM 616078.

Submission:

Labcorp Genetics (formerly Invitae), Labcorp
Classification: Uncertain significance. Last evaluated: 2024-06-28. Review status: criteria provided, single submitter. Criteria: Invitae Variant Classification Sherloc (09022015). Collection method: clinical testing. Allele origin: germline.
Comment: This sequence change replaces aspartic acid, which is acidic and polar, with glycine, which is neutral and non-polar, at codon 900 of the SETBP1 protein (p.Asp900Gly). This variant is not present in population databases (gnomAD no frequency). This variant has not been reported in the literature in individuals affected with SETBP1-related conditions. ClinVar contains an entry for this variant (Variation ID: 984821). Advanced modeling of protein sequence and biophysical properties (such as structural, functional, and spatial information, amino acid conservation, physicochemical variation, residue mobility, and thermodynamic stability) has been performed at Invitae for this missense variant, however the output from this modeling did not meet the statistical confidence thresholds required to predict the impact of this variant on SETBP1 protein function. In summary, the available evidence is currently insufficient to determine the role of this variant in disease. Therefore, it has been classified as a Variant of Uncertain Significance.